The following is an entry in ClinVar:

NM_145290.4(ADGRA3):c.1253A>C (p.Asn418Thr)

Gene: ADGRA3 (adhesion G protein-coupled receptor A3; minus strand). Cytogenetic location: 4p15.2.
Variant type: single nucleotide variant.
Coding change: c.1253A>C on transcript NM_145290.4 (MANE Select); coding-DNA position 1253, A replaced by C.
Protein change: p.Asn418Thr; replaces asparagine 418 with threonine.
Molecular consequence: missense variant.
Genome position (GRCh38, 1-based): chr4:22,436,474, T>G on the plus strand (A>C on the coding strand, the complement: ADGRA3 is on the minus strand). VCF-style: chr4-22436474-T-G. GRCh37 (hg19) VCF-style: chr4-22438097-T-G.
Other names: short protein forms N418T.
Identifiers: ClinVar variation 862478 (VCV000862478.9), dbSNP rs1417357563, ClinGen allele CA356482098.

ClinVar aggregate classification (germline): Uncertain significance (1 of 4 stars; one submission).

Submission:

Labcorp Genetics (formerly Invitae), Labcorp
Classification: Uncertain significance. Last evaluated: 2024-02-17. Review status: criteria provided, single submitter. Criteria: Invitae Variant Classification Sherloc (09022015). Collection method: clinical testing. Allele origin: germline.
Comment: This sequence change replaces asparagine, which is neutral and polar, with threonine, which is neutral and polar, at codon 418 of the ADGRA3 protein (p.Asn418Thr). This variant is not present in population databases (gnomAD no frequency). This variant has not been reported in the literature in individuals affected with ADGRA3-related conditions. ClinVar contains an entry for this variant (Variation ID: 862478). An algorithm developed to predict the effect of missense changes on protein structure and function (PolyPhen-2) suggests that this variant is likely to be tolerated. In summary, the available evidence is currently insufficient to determine the role of this variant in disease. Therefore, it has been classified as a Variant of Uncertain Significance.